The following is an entry in ClinVar:

ClinVar aggregate classification (germline): Conflicting classifications of pathogenicity. Review status: criteria provided, conflicting classifications (1 of 4 stars). 3 submissions from 3 submitters: Pathogenic (1); Uncertain significance (2). Last evaluated 2026-01-11.

Conditions:
Cardiovascular phenotype. Identifiers: MedGen CN230736.
Telangiectasia, hereditary hemorrhagic, type 2 (HHT2). Also called: ACVRL1-Related Hereditary Hemorrhagic Telangiectasia; Telangiectasia, hereditary hemorrhagic, type II. Identifiers: Orphanet 774, MedGen C1838163, MONDO:0010880, OMIM 600376. Disease mechanism: loss of function.

Allele frequency attached by ClinVar (database versions not stated): TOPMed below 0.00001; gnomAD exomes 0.00002.
gnomAD v4.1: 9 of 1,592,200 alleles (0.00057%); highest among the groups gnomAD compares: Non-Finnish European, 0.00068%; no homozygotes.

Submissions (3):

Labcorp Genetics (formerly Invitae), Labcorp
Classification: Pathogenic for Telangiectasia, hereditary hemorrhagic, type 2. Last evaluated: 2026-01-11. Review status: criteria provided, single submitter. Criteria: Invitae Variant Classification Sherloc (09022015). Collection method: clinical testing. Allele origin: germline.
Comment: This sequence change replaces glycine, which is neutral and non-polar, with arginine, which is basic and polar, at codon 70 of the ACVRL1 protein (p.Gly70Arg). This variant is present in population databases (no rsID available, gnomAD 0.004%). This missense change has been observed in individual(s) with hereditary hemorrhagic telangiectasia (PMID: 21158752; internal data). ClinVar contains an entry for this variant (Variation ID: 572085). Invitae Evidence Modeling of protein sequence and biophysical properties (such as structural, functional, and spatial information, amino acid conservation, physicochemical variation, residue mobility, and thermodynamic stability) has been performed for this missense variant. However, the output from this modeling did not meet the statistical confidence thresholds required to predict the impact of this variant on ACVRL1 protein function. For these reasons, this variant has been classified as Pathogenic.

Mayo Clinic Laboratories, Mayo Clinic
Classification: Uncertain significance. Last evaluated: 2019-11-18. Review status: criteria provided, single submitter. Criteria: ACMG Guidelines, 2015. Collection method: clinical testing. Allele origin: germline. Observed: 1 variant allele.

Ambry Genetics
Classification: Uncertain significance for Cardiovascular phenotype. Last evaluated: 2017-08-08. Review status: criteria provided, single submitter. Criteria: Ambry Variant Classification Scheme 2023. Collection method: clinical testing. Allele origin: germline.
Comment: The p.G70R variant (also known as c.208G>A), located in coding exon 2 of the ACVRL1 gene, results from a G to A substitution at nucleotide position 208. The glycine at codon 70 is replaced by arginine, an amino acid with dissimilar properties. This variant was detected in an individual with epistaxis, pulmonary arteriovenous malformations, and a family history (McDonald J et al. Clin. Genet., 2011 Apr;79:335-44). This amino acid position is well conserved in available vertebrate species. In addition, the in silico prediction for this alteration is inconclusive. Based on available evidence to date, the clinical significance of this variant remains unclear.

Literature cited by the submitters: PubMed 21158752 (cited by Labcorp Genetics (formerly Invitae), Labcorp and Ambry Genetics); PubMed 22028876 (cited by Ambry Genetics).

NM_000020.3(ACVRL1):c.208G>A (p.Gly70Arg)

Gene: ACVRL1 (activin A receptor like type 1; plus strand). Cytogenetic location: 12q13.13.
Variant type: single nucleotide variant.
Coding change: c.208G>A on transcript NM_000020.3 (MANE Select); coding-DNA position 208, G replaced by A.
Protein change: p.Gly70Arg; replaces glycine 70 with arginine.
Molecular consequence: missense variant.
Genome position (GRCh38, 1-based): chr12:51,913,245, G>A. VCF-style: chr12-51913245-G-A. GRCh37 (hg19) VCF-style: chr12-52307029-G-A.
Other names: c.208G>A, p.Gly70Arg (NM_001077401.2); short protein forms G70R.
Identifiers: ClinVar variation 572085 (VCV000572085.14), dbSNP rs1439294840, ClinGen allele CA384897903.